The following is an entry in ClinVar:

NM_000432.4(MYL2):c.185A>C (p.Lys62Thr)

Gene: MYL2 (myosin light chain 2; minus strand). Cytogenetic location: 12q24.11.
Variant type: single nucleotide variant.
Coding change: c.185A>C on transcript NM_000432.4 (MANE Select); coding-DNA position 185, A replaced by C.
Protein change: p.Lys62Thr; replaces lysine 62 with threonine.
Molecular consequence: missense variant.
Genome position (GRCh38, 1-based): chr12:110,914,275, T>G on the plus strand (A>C on the coding strand, the complement: MYL2 is on the minus strand). VCF-style: chr12-110914275-T-G. GRCh37 (hg19) VCF-style: chr12-111352079-T-G.
Other names: c.143A>C, p.Lys48Thr (NM_001406745.1, NM_001406746.1); c.128A>C, p.Lys43Thr (NM_001406916.1); short protein forms K48T, K62T, K43T.
Identifiers: ClinVar variation 1781466 (VCV001781466.3), dbSNP rs1766715902, ClinGen allele CA386698841.

ClinVar aggregate classification (germline): Uncertain significance (1 of 4 stars; one submission).

Conditions:
Cardiovascular phenotype. Identifiers: MedGen CN230736.

Allele frequency attached by ClinVar (database versions not stated): TOPMed 0.00001.

Submission:

Ambry Genetics
Classification: Uncertain significance for Cardiovascular phenotype. Last evaluated: 2023-02-23. Review status: criteria provided, single submitter. Criteria: Ambry Variant Classification Scheme 2023. Collection method: clinical testing. Allele origin: germline.
Comment: The p.K62T variant (also known as c.185A>C), located in coding exon 4 of the MYL2 gene, results from an A to C substitution at nucleotide position 185. The lysine at codon 62 is replaced by threonine, an amino acid with similar properties. This amino acid position is highly conserved in available vertebrate species. In addition, the in silico prediction for this alteration is inconclusive. Since supporting evidence is limited at this time, the clinical significance of this alteration remains unclear.